The following is an entry in ClinVar:

NM_000302.4(PLOD1):c.1281C>A (p.Tyr427Ter)

Gene: PLOD1 (procollagen-lysine,2-oxoglutarate 5-dioxygenase 1; plus strand). Cytogenetic location: 1p36.22.
Variant type: single nucleotide variant.
Coding change: c.1281C>A on transcript NM_000302.4 (MANE Select); coding-DNA position 1281, C replaced by A.
Protein change: p.Tyr427Ter; replaces tyrosine 427 with a stop codon.
Molecular consequence: nonsense.
Genome position (GRCh38, 1-based): chr1:11,964,253, C>A. VCF-style: chr1-11964253-C-A. GRCh37 (hg19) VCF-style: chr1-12024310-C-A.
Other names: c.1422C>A, p.Tyr474Ter (NM_001316320.2); short protein forms Y427*, Y474*.
Identifiers: ClinVar variation 2761296 (VCV002761296.3), dbSNP rs143294623, ClinGen allele CA338441422.

ClinVar aggregate classification (germline): Pathogenic (1 of 4 stars; one submission).

Conditions:
Ehlers-Danlos syndrome, kyphoscoliotic type 1 (EDSKSCL1). Also called: EHLERS-DANLOS SYNDROME, TYPE VIA; Ehlers-Danlos syndrome, hydroxylysine-deficient; EHLERS-DANLOS SYNDROME, OCULAR-SCOLIOTIC TYPE; PLOD1-Related Kyphoscoliotic Ehlers-Danlos Syndrome. Identifiers: Orphanet 1900, MedGen C0268342, MONDO:0016002, OMIM 225400. Disease mechanism: loss of function.

gnomAD v4.1: 1 of 1,513,910 alleles (0.000066%); highest among the groups gnomAD compares: Non-Finnish European, 0.00009%; no homozygotes.

Submission:

Labcorp Genetics (formerly Invitae), Labcorp
Classification: Pathogenic for Ehlers-Danlos syndrome, kyphoscoliotic type 1. Last evaluated: 2023-09-17. Review status: criteria provided, single submitter. Criteria: Invitae Variant Classification Sherloc (09022015). Collection method: clinical testing. Allele origin: germline.
Comment: This variant is not present in population databases (gnomAD no frequency). This sequence change creates a premature translational stop signal (p.Tyr427*) in the PLOD1 gene. It is expected to result in an absent or disrupted protein product. Loss-of-function variants in PLOD1 are known to be pathogenic (PMID: 10874315, 21699693). This variant has not been reported in the literature in individuals affected with PLOD1-related conditions. For these reasons, this variant has been classified as Pathogenic.

Literature cited by the submitters: PubMed 10874315; PubMed 21699693.